The following is an entry in ClinVar:

ClinVar aggregate classification (germline): Benign/Likely benign. Review status: criteria provided, multiple submitters, no conflicts (2 of 4 stars). 3 submissions from 3 submitters: Benign (1); Likely benign (2). Last evaluated 2026-07-01.

Conditions:
Sessile serrated polyposis cancer syndrome (SSPCS). Identifiers: Orphanet 157798, MedGen C4310714, MONDO:0014919, OMIM 617108.

gnomAD v4.1: 4 of 1,614,078 alleles (0.00025%); highest among the groups gnomAD compares: South Asian, 0.0022%; no homozygotes.

Submissions (3):

Myriad Genetics, Inc.
Classification: Benign for Sessile serrated polyposis cancer syndrome. Last evaluated: 2026-07-01. Review status: criteria provided, single submitter. Criteria: Myriad Autosomal Dominant, Autosomal Recessive and X-Linked Classification Criteria (2023). Collection method: clinical testing. Allele origin: unknown.
Comment: This variant is considered benign. This variant is a silent/synonymous amino acid change and it is not expected to impact splicing.

Ambry Genetics
Classification: Likely benign. Last evaluated: 2025-12-09. Review status: criteria provided, single submitter. Criteria: Ambry Variant Classification Scheme 2023. Collection method: clinical testing. Allele origin: germline.

Department of Pathology and Laboratory Medicine, Sinai Health System
Classification: Likely benign for Sessile serrated polyposis cancer syndrome. Last evaluated: 2022-08-31. Review status: criteria provided, single submitter. Criteria: ACMG Guidelines, 2015. Collection method: clinical testing. Allele origin: germline. Affected: yes.

NM_017763.6(RNF43):c.1452C>T (p.Asp484=)

Gene: RNF43 (ring finger protein 43; minus strand). Cytogenetic location: 17q22.
Variant type: single nucleotide variant.
Coding change: c.1452C>T on transcript NM_017763.6 (MANE Select); coding-DNA position 1452, C replaced by T.
Protein change: p.Asp484=; no amino-acid change (aspartic acid 484 retained).
Molecular consequence: synonymous variant.
Genome position (GRCh38, 1-based): chr17:58,358,324, G>A on the plus strand (C>T on the coding strand, the complement: RNF43 is on the minus strand). VCF-style: chr17-58358324-G-A. GRCh37 (hg19) VCF-style: chr17-56435685-G-A.
Other names: c.1452C>T, p.Asp484= (NM_001305544.3); c.1071C>T, p.Asp357= (NM_001305545.2); c.1452C>T (NM_017763.4).
Identifiers: ClinVar variation 3892304 (VCV003892304.3).